The following is an entry in ClinVar:

ClinVar aggregate classification (germline): Uncertain significance (1 of 4 stars; one submission).

Submission:

Dasa
Classification: Uncertain significance. Last evaluated: 2024-12-10. Review status: criteria provided, single submitter. Criteria: DASA Assertion Criteria. Collection method: clinical testing. Allele origin: germline.
Comment: NM_177433.3(MAGED2):c.16G>A (p.Glu6Lys) is a missense variant that results in the substitution of glutamic acid with lysine. This variant is absent from population databases. Computational prediction algorithms are consistent with a benign effect. The currently available literature and clinical evidence are not sufficient to establish a definitive association between this variant and the reported condition. Therefore, this variant is classified as a variant of uncertain significance.

NM_177433.3(MAGED2):c.16G>A (p.Glu6Lys)

Gene: MAGED2 (MAGE family member D2; plus strand). Cytogenetic location: Xp11.21.
Variant type: single nucleotide variant.
Coding change: c.16G>A on transcript NM_177433.3 (MANE Select); coding-DNA position 16, G replaced by A.
Protein change: p.Glu6Lys; replaces glutamic acid 6 with lysine.
Molecular consequence: missense variant.
Genome position (GRCh38, 1-based): chrX:54,809,347, G>A. VCF-style: chrX-54809347-G-A. GRCh37 (hg19) VCF-style: chrX-54835780-G-A.
Other names: c.16G>A, p.Glu6Lys (NM_014599.6, NM_201222.3); short protein forms E6K.
Identifiers: ClinVar variation 4885475 (VCV004885475.2).
Genomic context (GRCh38, chrX:54,809,347, plus strand): 5'-GCCTTCTCCCCTTCAGGCTCAGCTCTTGCCAGGCCAAATTGAGACATGTCTGACACAAGC[G>A]AGAGTGGTGCAGGTCTAACTCGCTTCCAGGTAAGGCCTCTTTCTGTCCTTTCCCCAGCTG-3'
Protein context (NP_803182.1, residues 1-16): MSDTS[Glu6Lys]SGAGLTRFQA